The following is an entry in ClinVar:

ClinVar aggregate classification (germline): Likely benign (1 of 4 stars; one submission).

gnomAD v4.1: 1,504 of 1,614,204 alleles (0.093%); highest among the groups gnomAD compares: Non-Finnish European, 0.12%; 1 homozygote.

Submission:

CeGaT Center for Human Genetics Tuebingen
Classification: Likely benign. Last evaluated: 2025-12-01. Review status: criteria provided, single submitter. Criteria: CeGaT Center For Human Genetics Tuebingen Variant Classification Criteria Version 2. Collection method: clinical testing. Allele origin: germline. Affected: yes. Observed: 1 variant allele.
Comment: DNAH3: BP4, BP7

NM_001347886.2(DNAH3):c.9438C>G (p.Leu3146=)

Gene: DNAH3 (dynein axonemal heavy chain 3; minus strand). Cytogenetic location: 16p12.3.
Variant type: single nucleotide variant.
Coding change: c.9438C>G on transcript NM_001347886.2 (MANE Select); coding-DNA position 9438, C replaced by G.
Protein change: p.Leu3146=; no amino-acid change (leucine 3146 retained).
Molecular consequence: synonymous variant.
Genome position (GRCh38, 1-based): chr16:20,964,308, G>C on the plus strand (C>G on the coding strand, the complement: DNAH3 is on the minus strand). VCF-style: chr16-20964308-G-C. GRCh37 (hg19) VCF-style: chr16-20975630-G-C.
Other names: c.9576C>G, p.Leu3192= (NM_017539.2).
Identifiers: ClinVar variation 4681345 (VCV004681345.5).